The following is an entry in ClinVar:

NM_018417.6(ADCY10):c.2576A>G (p.Lys859Arg)

Gene: ADCY10 (adenylate cyclase 10; minus strand). Cytogenetic location: 1q24.2.
Variant type: single nucleotide variant.
Coding change: c.2576A>G on transcript NM_018417.6 (MANE Select); coding-DNA position 2576, A replaced by G.
Protein change: p.Lys859Arg; replaces lysine 859 with arginine.
Molecular consequence: missense variant.
Genome position (GRCh38, 1-based): chr1:167,846,125, T>C on the plus strand (A>G on the coding strand, the complement: ADCY10 is on the minus strand). VCF-style: chr1-167846125-T-C. GRCh37 (hg19) VCF-style: chr1-167815363-T-C.
Other names: c.2117A>G, p.Lys706Arg (NM_001167749.3); c.2300A>G, p.Lys767Arg (NM_001297772.2); short protein forms K706R, K767R, K859R.
Identifiers: ClinVar variation 3731501 (VCV003731501.1).

ClinVar aggregate classification (germline): Uncertain significance (1 of 4 stars; one submission).

Conditions:
Familial idiopathic hypercalciuria (HCA2). Also called: Hypercalciuria, absorptive, 2; Hypercalciuria, absorptive, susceptibility to. Identifiers: MedGen C0342639, MONDO:0007748, OMIM 143870.

gnomAD v4.1: 33 of 1,614,188 alleles (0.002%); highest among the groups gnomAD compares: South Asian, 0.029%; no homozygotes.

Submission:

Neuberg Centre For Genomic Medicine, NCGM
Classification: Uncertain significance for Familial idiopathic hypercalciuria. Last evaluated: 2023-06-22. Review status: criteria provided, single submitter. Criteria: ACMG Guidelines, 2015. Collection method: clinical testing. Allele origin: germline. Inheritance: Autosomal dominant inheritance. Affected: yes.
Comment: The missense c.2576A>G(p.Lys859Arg) variant in ADCY10 gene has not been reported previously as a pathogenic variant nor as a benign variant, to our knowledge. The p.Lys859Arg variant is present with allele frequency of 0.006% in gnomAD Exomes. This variant has not been submitted to the ClinVar database. Multiple lines of computational evidences (Polyphen - Possibly damaging, SIFT - Tolerated and MutationTaster - Polymorphism) predict conflicting evidence on protein structure and function for this variant. The reference amino acid at this position on ADCY10 gene is predicted as conserved by GERP++ and PhyloP across 100 vertebrates. The amino acid Lys at position 859 is changed to a Arg changing protein sequence and it might alter its composition and physico-chemical properties. For these reasons, this variant has been classified as a Variant of Uncertain Significance (VUS).